The following is an entry in ClinVar:

ClinVar aggregate classification (germline): Pathogenic (1 of 4 stars; one submission).

Conditions:
Hypogonadotropic hypogonadism 2 with or without anosmia (HH2). Also called: FGFR1-Related GnRH Deficiency (Kallmann Syndrome 2); HYPOGONADOTROPIC HYPOGONADISM 2 WITHOUT ANOSMIA; HYPOGONADOTROPIC HYPOGONADISM 2 WITH OR WITHOUT ANOSMIA, SUSCEPTIBILITY TO; HYPOGONADOTROPIC HYPOGONADISM 2 WITHOUT ANOSMIA, SUSCEPTIBILITY TO. Identifiers: Orphanet 478, MedGen C1563720, MONDO:0007844, OMIM 147950. Disease mechanism: loss of function.

Submission:

Reproductive Endocrine Unit, Massachusetts General Hospital
Classification: Pathogenic for Hypogonadotropic hypogonadism 2 with or without anosmia. Last evaluated: 2023-05-04. Review status: criteria provided, single submitter. Criteria: ACMG Guidelines, 2015. Collection method: research. Allele origin: de novo. Affected: yes. Observed: 1 variant allele.
Comment: The variant NM_023110.2:c.2058del, p.(Phe686Leufs*28) het has been classified as P1a based on the variant meeting the following ACMG Criteria: PVS1,PS2,PM2,PP3.

NM_023110.3(FGFR1):c.2058del (p.Phe686fs)

Gene: FGFR1 (fibroblast growth factor receptor 1; minus strand). Cytogenetic location: 8p11.23.
Variant type: Deletion.
Coding change: c.2058del on transcript NM_023110.3 (MANE Select); coding-DNA position 2058, one base deleted (C; older notation c.2058delC).
Protein change: p.Phe686fs; shifts the reading frame from phenylalanine 686.
Molecular consequence: frameshift variant.
Genome position (GRCh38, 1-based): chr8:38,414,280, G deleted on the plus strand (C on the coding strand, the reverse complement: FGFR1 is on the minus strand). VCF-style (leftmost placement, unchanged base first): chr8-38414279-CG-C. GRCh37 (hg19) VCF-style: chr8-38271797-CG-C.
Other names: c.2058delC, p.Phe686Leufs (NM_000604.2, NM_023110.2); c.2052del, p.Phe684fs (NM_001174063.2, NM_001174065.2, NM_001354367.2 and 1 more transcripts); c.2028del, p.Phe676fs (NM_001174064.2); c.1791del, p.Phe597fs (NM_001174066.2, NM_023105.3); c.2151del, p.Phe717fs (NM_001174067.2); c.1779del, p.Phe593fs (NM_001354368.2); c.2046del, p.Phe682fs (NM_001354369.2, NM_001410922.1); c.1785del, p.Phe595fs (NM_001354370.2, NM_023106.3); short protein forms F593fs, F595fs, F597fs, F676fs, F682fs, F684fs, F686fs, F717fs.
Identifiers: ClinVar variation 2505404 (VCV002505404.1), dbSNP rs2536789999, ClinGen allele CA2580614537.